The following is an entry in ClinVar:

NM_152383.5(DIS3L2):c.2492A>G (p.Gln831Arg)

Gene: DIS3L2 (DIS3 like 3'-5' exoribonuclease 2; plus strand). Cytogenetic location: 2q37.1.
Variant type: single nucleotide variant.
Coding change: c.2492A>G on transcript NM_152383.5 (MANE Select); coding-DNA position 2492, A replaced by G.
Protein change: p.Gln831Arg; replaces glutamine 831 with arginine.
Molecular consequence: missense variant. On other transcripts: non-coding transcript variant (2), intron variant (1).
Genome position (GRCh38, 1-based): chr2:232,335,870, A>G. VCF-style: chr2-232335870-A-G. GRCh37 (hg19) VCF-style: chr2-233200580-A-G.
Other names: c.1582-7475A>G (NM_001257281.2); short protein forms Q831R.
Identifiers: ClinVar variation 2126406 (VCV002126406.4), dbSNP rs1695927339, ClinGen allele CA350978351.

ClinVar aggregate classification (germline): Uncertain significance (1 of 4 stars; one submission).

Conditions:
Perlman syndrome (PRLMNS). Identifiers: Orphanet 2849, MedGen C0796113, MONDO:0009965, OMIM 267000.

Submission:

Labcorp Genetics (formerly Invitae), Labcorp
Classification: Uncertain significance for Perlman syndrome. Last evaluated: 2022-07-06. Review status: criteria provided, single submitter. Criteria: Invitae Variant Classification Sherloc (09022015). Collection method: clinical testing. Allele origin: germline.
Comment: This sequence change replaces glutamine, which is neutral and polar, with arginine, which is basic and polar, at codon 831 of the DIS3L2 protein (p.Gln831Arg). This variant is not present in population databases (gnomAD no frequency). This variant has not been reported in the literature in individuals affected with DIS3L2-related conditions. Algorithms developed to predict the effect of missense changes on protein structure and function output the following: SIFT: "Tolerated"; PolyPhen-2: "Benign"; Align-GVGD: "Class C0". The arginine amino acid residue is found in multiple mammalian species, which suggests that this missense change does not adversely affect protein function. In summary, the available evidence is currently insufficient to determine the role of this variant in disease. Therefore, it has been classified as a Variant of Uncertain Significance.